The following is an entry in ClinVar:

NM_019066.5(MAGEL2):c.618_619delinsAT (p.Thr207Ser)

Gene: MAGEL2 (MAGE family member L2; minus strand). Cytogenetic location: 15q11.2.
Variant type: Indel.
Coding change: c.618_619delinsAT on transcript NM_019066.5 (MANE Select); coding-DNA positions 618 to 619, GA replaced by AT.
Protein change: p.Thr207Ser; replaces threonine 207 with serine.
Molecular consequence: missense variant.
Genome position (GRCh38, 1-based): chr15:23,647,124-23,647,125, TC replaced by AT on the plus strand (GA replaced by AT on the coding strand, the reverse complement: MAGEL2 is on the minus strand). VCF-style: chr15-23647124-TC-AT. GRCh37 (hg19) VCF-style: chr15-23892271-TC-AT.
Other names: short protein forms T207S.
Identifiers: ClinVar variation 1721526 (VCV001721526.5), dbSNP rs2503983854, ClinGen allele CA2580089129.

ClinVar aggregate classification (germline): Uncertain significance (1 of 4 stars; one submission).

Submission:

Labcorp Genetics (formerly Invitae), Labcorp
Classification: Uncertain significance. Last evaluated: 2022-11-28. Review status: criteria provided, single submitter. Criteria: Invitae Variant Classification Sherloc (09022015). Collection method: clinical testing. Allele origin: germline.
Comment: This sequence change replaces threonine, which is neutral and polar, with serine, which is neutral and polar, at codon 207 of the MAGEL2 protein (p.Thr207Ser). Information on the frequency of this variant in the gnomAD database is not available, as this variant may be reported differently in the database. This variant has not been reported in the literature in individuals affected with MAGEL2-related conditions. Experimental studies and prediction algorithms are not available or were not evaluated, and the functional significance of this variant is currently unknown. In summary, the available evidence is currently insufficient to determine the role of this variant in disease. Therefore, it has been classified as a Variant of Uncertain Significance.